The following is an entry in ClinVar:

ClinVar aggregate classification (germline): Uncertain significance (1 of 4 stars; one submission).

Submission:

Labcorp Genetics (formerly Invitae), Labcorp
Classification: Uncertain significance. Last evaluated: 2025-12-08. Review status: criteria provided, single submitter. Criteria: Invitae Variant Classification Sherloc (09022015). Collection method: clinical testing. Allele origin: germline.
Comment: This sequence change replaces histidine, which is basic and polar, with proline, which is neutral and non-polar, at codon 517 of the DCHS1 protein (p.His517Pro). This variant is not present in population databases (gnomAD no frequency). This variant has not been reported in the literature in individuals affected with DCHS1-related conditions. ClinVar contains an entry for this variant (Variation ID: 3656186). Invitae Evidence Modeling of protein sequence and biophysical properties (such as structural, functional, and spatial information, amino acid conservation, physicochemical variation, residue mobility, and thermodynamic stability) indicates that this missense variant is not expected to disrupt DCHS1 protein function with a negative predictive value of 80%. In summary, the available evidence is currently insufficient to determine the role of this variant in disease. Therefore, it has been classified as a Variant of Uncertain Significance.

NM_003737.4(DCHS1):c.1550A>C (p.His517Pro)

Gene: DCHS1 (dachsous cadherin-related 1; minus strand). Cytogenetic location: 11p15.4.
Variant type: single nucleotide variant.
Coding change: c.1550A>C on transcript NM_003737.4 (MANE Select); coding-DNA position 1550, A replaced by C.
Protein change: p.His517Pro; replaces histidine 517 with proline.
Molecular consequence: missense variant.
Genome position (GRCh38, 1-based): chr11:6,640,064, T>G on the plus strand (A>C on the coding strand, the complement: DCHS1 is on the minus strand). VCF-style: chr11-6640064-T-G. GRCh37 (hg19) VCF-style: chr11-6661295-T-G.
Other names: short protein forms H517P.
Identifiers: ClinVar variation 3656186 (VCV003656186.2).
Genomic context (GRCh38, chr11:6,640,064, plus strand): 5'-TCCAGTGAGGCAGCCGTAGTGATAATGCCTGAGGTGGGGTCAATGGAGAACCAGTGGGTG[T>G]GGGCGCCAGGGGCTAGGCTATAAGTGACCTGACCATTGGTGCCTTGGTCAGGATCCCGAG-3'
Protein context (NP_003728.1, residues 507-527): QVTYSLAPGA[His517Pro]THWFSIDPTS